The following is an entry in ClinVar:

NM_205834.4(LSR):c.713C>T (p.Pro238Leu)

Gene: LSR (lipolysis stimulated lipoprotein receptor; plus strand). Cytogenetic location: 19q13.12.
Variant type: single nucleotide variant.
Coding change: c.713C>T on transcript NM_205834.4 (MANE Select); coding-DNA position 713, C replaced by T.
Protein change: p.Pro238Leu; replaces proline 238 with leucine.
Molecular consequence: missense variant. On other transcripts: intron variant (3).
Genome position (GRCh38, 1-based): chr19:35,262,627, C>T. VCF-style: chr19-35262627-C-T. GRCh37 (hg19) VCF-style: chr19-35753530-C-T.
Other names: p.Pro238Leu; c.656C>T, p.Pro219Leu (NM_001260489.2, NM_015925.7); c.574+3563C>T (NM_205835.4, NM_001385215.1); c.455-3732C>T (NM_001260490.2); short protein forms P219L, P238L.
Identifiers: ClinVar variation 4049744 (VCV004049744.2).
Genomic context (GRCh38, chr19:35,262,627, plus strand): 5'-TATGCCTGGCTGCCTTCCTCATCTTCCTCCTCCTGGGCATCTGCTGGTGCCAGTGCTGCC[C>T]GCACACTTGCTGCTGCTACGTCAGGTGCCCCTGCTGCCCAGACAAGTGCTGCTGCCCCGA-3'
Protein context (NP_991403.2, residues 228-248): LLGICWCQCC[Pro238Leu]HTCCCYVRCP

ClinVar aggregate classification (germline): Uncertain significance/VUS-high. Review status: criteria provided, multiple submitters, no conflicts (2 of 4 stars). 2 submissions from 2 submitters: Uncertain significance (1); VUS-high (1). Last evaluated 2026-04-30.

Conditions:
Progressive familial intrahepatic cholestasis (PFIC). Also called: Progressive family intrahepatic cholestasis; Progressive intrahepatic cholestasis. Identifiers: Orphanet 172, MedGen C0268312, MONDO:0015762.

Submissions (2):

Department of Medical Genetics, Sanjay Gandhi Post Graduate Institute of Medical Sciences
Classification: VUS-high for Progressive familial intrahepatic cholestasis. Last evaluated: 2026-04-30. Review status: criteria provided, single submitter. Criteria: ACMG Guidelines, 2015. Collection method: research. Allele origin: germline. Inheritance: Autosomal recessive inheritance. Affected: yes. Observed: 1 variant allele, 1 heterozygote.
Comment: This missense variant is rare in population databases (PM2_supporting) and has been identified in trans with a pathogenic truncating variant in this autosomal recessive gene (PM3). Multiple in silico prediction tools support a deleterious effect on the protein (PP3_supporting). However, in the absence of additional unrelated cases, functional evidence, or stronger segregation data, the current evidence does not meet the threshold for a likely pathogenic classification. Accordingly, this variant is best classified at present as a variant of uncertain significance.(VUS)

Ambry Genetics
Classification: Uncertain significance. Last evaluated: 2025-05-28. Review status: criteria provided, single submitter. Criteria: Ambry Variant Classification Scheme 2023. Collection method: clinical testing. Allele origin: germline.